The following is an entry in ClinVar:

NM_001330078.2(NRXN1):c.553C>G (p.Arg185Gly)

Gene: NRXN1 (neurexin 1; minus strand). Cytogenetic location: 2p16.3.
Variant type: single nucleotide variant.
Coding change: c.553C>G on transcript NM_001330078.2 (MANE Select); coding-DNA position 553, C replaced by G.
Protein change: p.Arg185Gly; replaces arginine 185 with glycine.
Molecular consequence: missense variant.
Genome position (GRCh38, 1-based): chr2:51,027,721, G>C on the plus strand (C>G on the coding strand, the complement: NRXN1 is on the minus strand). VCF-style: chr2-51027721-G-C. GRCh37 (hg19) VCF-style: chr2-51254859-G-C.
Other names: c.553C>G, p.Arg185Gly (NM_001135659.3, NM_001330077.2, NM_001330079.2 and 15 more transcripts); short protein forms R185G.
Identifiers: ClinVar variation 962737 (VCV000962737.9), dbSNP rs906827517, ClinGen allele CA346823769.

ClinVar aggregate classification (germline): Uncertain significance (1 of 4 stars; one submission).

Conditions:
Pitt-Hopkins-like syndrome 2 (PTHSL2). Identifiers: Orphanet 221150, Orphanet 600663, MedGen C3280479, MONDO:0013690, OMIM 614325.

Submission:

Labcorp Genetics (formerly Invitae), Labcorp
Classification: Uncertain significance for Pitt-Hopkins-like syndrome 2. Last evaluated: 2021-03-12. Review status: criteria provided, single submitter. Criteria: Invitae Variant Classification Sherloc (09022015). Collection method: clinical testing. Allele origin: germline.
Comment: This sequence change replaces arginine with glycine at codon 185 of the NRXN1 protein (p.Arg185Gly). The arginine residue is highly conserved and there is a moderate physicochemical difference between arginine and glycine. This variant is not present in population databases (ExAC no frequency). This variant has not been reported in the literature in individuals with NRXN1-related conditions. Algorithms developed to predict the effect of missense changes on protein structure and function are either unavailable or do not agree on the potential impact of this missense change (SIFT: "Deleterious"; PolyPhen-2: "Benign"; Align-GVGD: "Class C0"). In summary, the available evidence is currently insufficient to determine the role of this variant in disease. Therefore, it has been classified as a Variant of Uncertain Significance.